The following is an entry in ClinVar:

NM_013275.6(ANKRD11):c.5199G>A (p.Ala1733=)

Gene: ANKRD11 (ankyrin repeat domain 11; minus strand). Cytogenetic location: 16q24.3.
Variant type: single nucleotide variant.
Coding change: c.5199G>A on transcript NM_013275.6 (MANE Select); coding-DNA position 5199, G replaced by A.
Protein change: p.Ala1733=; no amino-acid change (alanine 1733 retained).
Molecular consequence: synonymous variant.
Genome position (GRCh38, 1-based): chr16:89,281,343, C>T on the plus strand (G>A on the coding strand, the complement: ANKRD11 is on the minus strand). VCF-style: chr16-89281343-C-T. GRCh37 (hg19) VCF-style: chr16-89347751-C-T.
Other names: c.5199G>A, p.Ala1733= (NM_001256182.2, NM_001256183.2).
Identifiers: ClinVar variation 3778190 (VCV003778190.7).

ClinVar aggregate classification (germline): Likely benign (1 of 4 stars; one submission).

gnomAD v4.1: 12 of 1,612,348 alleles (0.00074%); highest among the groups gnomAD compares: Non-Finnish European, 0.00085%; no homozygotes.

Submission:

CeGaT Center for Human Genetics Tuebingen
Classification: Likely benign. Last evaluated: 2025-03-01. Review status: criteria provided, single submitter. Criteria: CeGaT Center For Human Genetics Tuebingen Variant Classification Criteria Version 2. Collection method: clinical testing. Allele origin: germline. Affected: yes. Observed: 1 variant allele.
Comment: ANKRD11: BP4, BP7